The following is an entry in ClinVar:

ClinVar aggregate classification (germline): Uncertain significance. Review status: criteria provided, multiple submitters, no conflicts (2 of 4 stars). 3 submissions from 3 submitters: Uncertain significance (3). Last evaluated 2025-07-05.

Conditions:
Inborn genetic diseases. Identifiers: MedGen C0950123, MeSH D030342.
BNAR syndrome. Also called: Bifid Nose With or Without Anorectal and Renal Anomalies (BNAR) Syndrome. Identifiers: Orphanet 217266, MedGen C2750433, MONDO:0012165, OMIM 608980.
Oculotrichoanal syndrome (MOTA). Also called: MARLES SYNDROME; Manitoba Oculotrichoanal (MOTA) Syndrome. Identifiers: Orphanet 2717, MedGen C1855425, MONDO:0009560, OMIM 248450.
Trigonocephaly 2 (TRIGNO2). Identifiers: Orphanet 3366, MedGen C3280974, MONDO:0013774, OMIM 614485.

Allele frequency attached by ClinVar (database versions not stated): TOPMed 0.00005; gnomAD 0.00004; ESP Exome Variant Server 0.00008; ExAC 0.00004.
gnomAD v4.1: 42 of 1,613,900 alleles (0.0026%); highest among the groups gnomAD compares: Admixed American, 0.0067%; no homozygotes.

Submissions (3):

Labcorp Genetics (formerly Invitae), Labcorp
Classification: Uncertain significance. Last evaluated: 2025-07-05. Review status: criteria provided, single submitter. Criteria: Invitae Variant Classification Sherloc (09022015). Collection method: clinical testing. Allele origin: germline.
Comment: This sequence change replaces proline, which is neutral and non-polar, with leucine, which is neutral and non-polar, at codon 522 of the FREM1 protein (p.Pro522Leu). This variant is present in population databases (rs377215290, gnomAD 0.008%). This variant has not been reported in the literature in individuals affected with FREM1-related conditions. ClinVar contains an entry for this variant (Variation ID: 2137483). Invitae Evidence Modeling of protein sequence and biophysical properties (such as structural, functional, and spatial information, amino acid conservation, physicochemical variation, residue mobility, and thermodynamic stability) indicates that this missense variant is expected to disrupt FREM1 protein function with a positive predictive value of 80%. In summary, the available evidence is currently insufficient to determine the role of this variant in disease. Therefore, it has been classified as a Variant of Uncertain Significance.

Ambry Genetics
Classification: Uncertain significance for Inborn genetic diseases. Last evaluated: 2024-08-27. Review status: criteria provided, single submitter. Criteria: Ambry Variant Classification Scheme 2023. Collection method: clinical testing. Allele origin: germline.

Fulgent Genetics
Classification: Uncertain significance for Oculotrichoanal syndrome; BNAR syndrome; Trigonocephaly 2. Last evaluated: 2024-02-08. Review status: criteria provided, single submitter. Criteria: ACMG Guidelines, 2015. Collection method: clinical testing. Allele origin: germline.

NM_001379081.2(FREM1):c.1565C>T (p.Pro522Leu)

Gene: FREM1 (FRAS1 related extracellular matrix 1; minus strand). Cytogenetic location: 9p22.3.
Variant type: single nucleotide variant.
Coding change: c.1565C>T on transcript NM_001379081.2 (MANE Select); coding-DNA position 1565, C replaced by T.
Protein change: p.Pro522Leu; replaces proline 522 with leucine.
Molecular consequence: missense variant. On other transcripts: non-coding transcript variant (2).
Genome position (GRCh38, 1-based): chr9:14,842,489, G>A on the plus strand (C>T on the coding strand, the complement: FREM1 is on the minus strand). VCF-style: chr9-14842489-G-A. GRCh37 (hg19) VCF-style: chr9-14842487-G-A.
Other names: c.1565C>T (NM_144966.5); c.1565C>T, p.Pro522Leu (NM_144966.7); short protein forms P522L.
Identifiers: ClinVar variation 2137483 (VCV002137483.6), dbSNP rs377215290, ClinGen allele CA4991198.